The following is an entry in ClinVar:

NM_000891.3(KCNJ2):c.459A>C (p.Glu153Asp)

Gene: KCNJ2 (potassium inwardly rectifying channel subfamily J member 2; plus strand). Cytogenetic location: 17q24.3.
Variant type: single nucleotide variant.
Coding change: c.459A>C on transcript NM_000891.3 (MANE Select); coding-DNA position 459, A replaced by C.
Protein change: p.Glu153Asp; replaces glutamic acid 153 with aspartic acid.
Molecular consequence: missense variant.
Genome position (GRCh38, 1-based): chr17:70,175,498, A>C. VCF-style: chr17-70175498-A-C. GRCh37 (hg19) VCF-style: chr17-68171639-A-C.
Other names: short protein forms E153D.
Identifiers: ClinVar variation 2190148 (VCV002190148.4), dbSNP rs2074387284, ClinGen allele CA400860643.

ClinVar aggregate classification (germline): Uncertain significance (1 of 4 stars; one submission).

Conditions:
Andersen Tawil syndrome (LQT7). Also called: ANDERSEN CARDIODYSRHYTHMIC PERIODIC PARALYSIS; Andersen Syndrome; LONG QT SYNDROME 7; Potassium-sensitive periodic paralysis, ventricular ectopy, and dysmorphic features; PERIODIC PARALYSIS, POTASSIUM-SENSITIVE CARDIODYSRHYTHMIC TYPE. Identifiers: Orphanet 37553, MedGen C1563715, MONDO:0008222, OMIM 170390.
Short QT syndrome type 3. Identifiers: Orphanet 51083, MedGen C1865018, MONDO:0012314, OMIM 609622.

Allele frequency attached by ClinVar (database versions not stated): gnomAD exomes below 0.00001.
gnomAD v4.1: 1 of 1,614,184 alleles (0.000062%); highest among the groups gnomAD compares: Non-Finnish European, 0.000085%; no homozygotes.

Submission:

Labcorp Genetics (formerly Invitae), Labcorp
Classification: Uncertain significance for Short QT syndrome type 3; Andersen Tawil syndrome. Last evaluated: 2022-08-30. Review status: criteria provided, single submitter. Criteria: Invitae Variant Classification Sherloc (09022015). Collection method: clinical testing. Allele origin: germline.
Comment: Experimental studies have shown that this missense change does not substantially affect KCNJ2 function (PMID: 17619200). This sequence change replaces glutamic acid, which is acidic and polar, with aspartic acid, which is acidic and polar, at codon 153 of the KCNJ2 protein (p.Glu153Asp). This variant is not present in population databases (gnomAD no frequency). This variant has not been reported in the literature in individuals affected with KCNJ2-related conditions. Algorithms developed to predict the effect of missense changes on protein structure and function (SIFT, PolyPhen-2, Align-GVGD) all suggest that this variant is likely to be tolerated. In summary, the available evidence is currently insufficient to determine the role of this variant in disease. Therefore, it has been classified as a Variant of Uncertain Significance.

Literature cited by the submitters: PubMed 17619200.